The following is an entry in ClinVar:

ClinVar aggregate classification (germline): Uncertain significance (1 of 4 stars; one submission).

Conditions:
Deficiency of ferroxidase (ACEP). Also called: Deficiency of ceruloplasmin; Aceruloplasminemia; NEURODEGENERATION WITH BRAIN IRON ACCUMULATION 10; Ceruloplasmin deficiency; Familial apoceruloplasmin deficiency; Hereditary ceruloplasmin deficiency. Identifiers: Orphanet 48818, MedGen C0878682, MONDO:0011426, OMIM 604290, HP:0025498.

Submission:

Labcorp Genetics (formerly Invitae), Labcorp
Classification: Uncertain significance for Deficiency of ferroxidase. Last evaluated: 2021-12-19. Review status: criteria provided, single submitter. Criteria: Invitae Variant Classification Sherloc (09022015). Collection method: clinical testing. Allele origin: germline.
Comment: Algorithms developed to predict the effect of missense changes on protein structure and function output the following: SIFT: "Tolerated"; PolyPhen-2: "Benign"; Align-GVGD: "Class C0". The isoleucine amino acid residue is found in multiple mammalian species, which suggests that this missense change does not adversely affect protein function. This variant has not been reported in the literature in individuals affected with CP-related conditions. This variant is not present in population databases (gnomAD no frequency). This sequence change replaces arginine, which is basic and polar, with isoleucine, which is neutral and non-polar, at codon 911 of the CP protein (p.Arg911Ile). In summary, the available evidence is currently insufficient to determine the role of this variant in disease. Therefore, it has been classified as a Variant of Uncertain Significance.

NM_000096.4(CP):c.2732G>T (p.Arg911Ile)

Gene: CP (ceruloplasmin; minus strand). Cytogenetic location: 3q24.
Variant type: single nucleotide variant.
Coding change: c.2732G>T on transcript NM_000096.4 (MANE Select); coding-DNA position 2732, G replaced by T.
Protein change: p.Arg911Ile; replaces arginine 911 with isoleucine.
Molecular consequence: missense variant. On other transcripts: non-coding transcript variant (1).
Genome position (GRCh38, 1-based): chr3:149,178,561, C>A on the plus strand (G>T on the coding strand, the complement: CP is on the minus strand). VCF-style: chr3-149178561-C-A. GRCh37 (hg19) VCF-style: chr3-148896348-C-A.
Other names: short protein forms R911I.
Identifiers: ClinVar variation 2047694 (VCV002047694.4), dbSNP rs748974665, ClinGen allele CA85528721.